The following is an entry in ClinVar:

ClinVar aggregate classification (germline): Benign (0 of 4 stars; one submission).

Conditions:
FAM234B-related disorder. Also called: FAM234B-related condition.

Allele frequency attached by ClinVar (database versions not stated): 1000 Genomes Project 30x 0.00468; 1000 Genomes Project 0.00479; ESP Exome Variant Server 0.00777.
gnomAD v4.1: 1,819 of 1,614,176 alleles (0.11%); highest among the groups gnomAD compares: African/African-American, 2.1%; 17 homozygotes.

Submission:

PreventionGenetics, part of Exact Sciences
Classification: Benign for FAM234B-related condition. Last evaluated: 2019-04-25. Review status: no assertion criteria provided. Collection method: clinical testing. Allele origin: germline.
Comment: This variant is classified as benign based on ACMG/AMP sequence variant interpretation guidelines (Richards et al. 2015 PMID: 25741868, with internal and published modifications).

NM_020853.2(FAM234B):c.281C>A (p.Ala94Glu)

Gene: FAM234B (family with sequence similarity 234 member B; plus strand). Cytogenetic location: 12p13.1.
Variant type: single nucleotide variant.
Coding change: c.281C>A on transcript NM_020853.2 (MANE Select); coding-DNA position 281, C replaced by A.
Protein change: p.Ala94Glu; replaces alanine 94 with glutamic acid.
Molecular consequence: missense variant.
Genome position (GRCh38, 1-based): chr12:13,055,794, C>A. VCF-style: chr12-13055794-C-A. GRCh37 (hg19) VCF-style: chr12-13208728-C-A.
Other names: short protein forms A94E.
Identifiers: ClinVar variation 3055457 (VCV003055457.2), dbSNP rs146476799, ClinGen allele CA6459454.